The following is an entry in ClinVar:

NM_001256864.2(DNAJC6):c.2162A>G (p.His721Arg)

Gene: DNAJC6 (DnaJ heat shock protein family (Hsp40) member C6; plus strand). Cytogenetic location: 1p31.3.
Variant type: single nucleotide variant.
Coding change: c.2162A>G on transcript NM_001256864.2 (MANE Select); coding-DNA position 2162, A replaced by G.
Protein change: p.His721Arg; replaces histidine 721 with arginine.
Molecular consequence: missense variant.
Genome position (GRCh38, 1-based): chr1:65,401,815, A>G. VCF-style: chr1-65401815-A-G. GRCh37 (hg19) VCF-style: chr1-65867498-A-G.
Other names: c.1952A>G, p.His651Arg (NM_001256865.2); c.1991A>G, p.His664Arg (NM_014787.4); short protein forms H651R, H664R, H721R.
Identifiers: ClinVar variation 4697395 (VCV004697395.1).
Genomic context (GRCh38, chr1:65,401,815, plus strand): 5'-TTTCAGGAGGCTTTGGAATGGGAAGCAAGTCAGCTGCCACCAGCCCAACCGGATCCTCGC[A>G]TGGTACTCCCACCCATCAAAGCAAACCCCAGACTCTGGATCCTTTTGCCGACCTTGGGAC-3'
Protein context (NP_001243793.1, residues 711-731): SAATSPTGSS[His721Arg]GTPTHQSKPQ

ClinVar aggregate classification (germline): Uncertain significance (1 of 4 stars; one submission).

Conditions:
Juvenile onset Parkinson disease 19A. Also called: PARK19; DNAJC6 Parkinson Disease. Identifiers: Orphanet 391411, MedGen C3809811, MONDO:0014231, OMIM 615528.

gnomAD v4.1: 3 of 1,613,980 alleles (0.00019%); highest among the groups gnomAD compares: South Asian, 0.0022%; no homozygotes.

Submission:

Labcorp Genetics (formerly Invitae), Labcorp
Classification: Uncertain significance for Juvenile onset Parkinson disease 19A. Last evaluated: 2025-11-18. Review status: criteria provided, single submitter. Criteria: Invitae Variant Classification Sherloc (09022015). Collection method: clinical testing. Allele origin: germline.
Comment: This sequence change replaces histidine, which is basic and polar, with arginine, which is basic and polar, at codon 721 of the DNAJC6 protein (p.His721Arg). This variant is present in population databases (no rsID available, gnomAD 0.003%). This missense change has been observed in individual(s) with Parkinson disease (PMID: 35861376). An algorithm developed to predict the effect of missense changes on protein structure and function (PolyPhen-2) suggests that this variant is likely to be disruptive. In summary, the available evidence is currently insufficient to determine the role of this variant in disease. Therefore, it has been classified as a Variant of Uncertain Significance.

Literature cited by the submitters: PubMed 35861376.